The following is an entry in ClinVar:

NM_000466.3(PEX1):c.2434T>C (p.Leu812=)

Gene: PEX1 (peroxisomal biogenesis factor 1; minus strand). Cytogenetic location: 7q21.2.
Variant type: single nucleotide variant.
Coding change: c.2434T>C on transcript NM_000466.3 (MANE Select); coding-DNA position 2434, T replaced by C.
Protein change: p.Leu812=; no amino-acid change (leucine 812 retained).
Molecular consequence: synonymous variant.
Genome position (GRCh38, 1-based): chr7:92,501,656, A>G on the plus strand (T>C on the coding strand, the complement: PEX1 is on the minus strand). VCF-style: chr7-92501656-A-G. GRCh37 (hg19) VCF-style: chr7-92130970-A-G.
Other names: c.2263T>C, p.Leu755= (NM_001282677.2); c.1810T>C, p.Leu604= (NM_001282678.2); c.2434T>C (NM_000466.2).
Identifiers: ClinVar variation 2803621 (VCV002803621.4), dbSNP rs1791932695, ClinGen allele CA456482735.

ClinVar aggregate classification (germline): Likely benign. Review status: criteria provided, multiple submitters, no conflicts (2 of 4 stars). 2 submissions from 2 submitters: Likely benign (2). Last evaluated 2026-01-13.

Conditions:
Zellweger spectrum disorders (ZS). Also called: Zellweger syndrome; Zellweger Spectrum Disorder (ZSD); Zellweger Spectrum Disorder; Zellweger Spectrum. Identifiers: Orphanet 912, MedGen C0043459, MONDO:0019609.
PEX1-related disorder. Also called: PEX1-related condition.

Allele frequency attached by ClinVar (database versions not stated): gnomAD 0.00001.
gnomAD v4.1: 1 of 1,613,516 alleles (0.000062%); highest among the groups gnomAD compares: African/African-American, 0.0013%; no homozygotes.

Submissions (2):

PreventionGenetics, part of Exact Sciences
Classification: Likely benign for PEX1-related condition. Last evaluated: 2026-01-13. Review status: criteria provided, single submitter. Criteria: ACMG Guidelines, 2015. Collection method: clinical testing. Allele origin: germline.
Comment: This variant is classified as likely benign based on ACMG/AMP sequence variant interpretation guidelines (Richards et al. 2015 PMID: 25741868, with internal and published modifications).

Labcorp Genetics (formerly Invitae), Labcorp
Classification: Likely benign for Zellweger spectrum disorders. Last evaluated: 2025-12-08. Review status: criteria provided, single submitter. Criteria: Invitae Variant Classification Sherloc (09022015). Collection method: clinical testing. Allele origin: germline.